The following is an entry in ClinVar:

NM_000969.5(RPL5):c.479_480del (p.Phe160fs)

Genes: DIPK1A (divergent protein kinase domain 1A; minus strand), RPL5 (ribosomal protein L5; plus strand). Cytogenetic location: 1p22.1.
Variant type: Deletion.
Coding change: c.479_480del on transcript NM_000969.5 (MANE Select); coding-DNA positions 479 to 480, 2 bases deleted (TT; older notation c.479_480delTT).
Protein change: p.Phe160fs; shifts the reading frame from phenylalanine 160.
Molecular consequence: frameshift variant. On other transcripts: non-coding transcript variant (1), intron variant (1).
Genome position (GRCh38, 1-based): chr1:92,836,344-92,836,345, TT deleted; deleting any 2 consecutive bases within chr1:92,836,341-92,836,345 gives the same sequence; the c. name uses the placement nearest the transcript's 3' end. VCF-style (leftmost placement, unchanged base first): chr1-92836340-GTT-G. GRCh37 (hg19) VCF-style: chr1-93301897-GTT-G.
Other names: c.475-3308_475-3307del (NM_001252273.2); short protein forms F160fs.
Identifiers: ClinVar variation 2159322 (VCV002159322.3), dbSNP rs2524458024, ClinGen allele CA2580063321.

ClinVar aggregate classification (germline): Pathogenic (1 of 4 stars; one submission).

Conditions:
Diamond-Blackfan anemia. Also called: Blackfan Diamond syndrome; Aregenerative anemia chronic congenital; Red cell aplasia, pure hereditary; Congenital hypoplastic anemia; Aase syndrome. Identifiers: Orphanet 124, MedGen C1260899, MeSH D029503, MONDO:0015253, HP:0004810.

Submission:

Labcorp Genetics (formerly Invitae), Labcorp
Classification: Pathogenic for Diamond-Blackfan anemia. Last evaluated: 2022-08-03. Review status: criteria provided, single submitter. Criteria: Invitae Variant Classification Sherloc (09022015). Collection method: clinical testing. Allele origin: germline.
Comment: For these reasons, this variant has been classified as Pathogenic. This premature translational stop signal has been observed in individual(s) with clinical features of Diamond-Blackfan anemia (PMID: 30503522). This variant is not present in population databases (gnomAD no frequency). This sequence change creates a premature translational stop signal (p.Phe160Trpfs*24) in the RPL5 gene. It is expected to result in an absent or disrupted protein product. Loss-of-function variants in RPL5 are known to be pathogenic (PMID: 19061985, 19773262).

Literature cited by the submitters: PubMed 30503522; PubMed 19061985; PubMed 19773262.